The following is an entry in ClinVar:

NM_001025616.3(ARHGAP24):c.2225G>A (p.Gly742Glu)

Gene: ARHGAP24 (Rho GTPase activating protein 24; plus strand). Cytogenetic location: 4q21.3.
Variant type: single nucleotide variant.
Coding change: c.2225G>A on transcript NM_001025616.3 (MANE Select); coding-DNA position 2225, G replaced by A.
Protein change: p.Gly742Glu; replaces glycine 742 with glutamic acid.
Molecular consequence: missense variant.
Genome position (GRCh38, 1-based): chr4:86,000,700, G>A. VCF-style: chr4-86000700-G-A. GRCh37 (hg19) VCF-style: chr4-86921853-G-A.
Other names: c.1940G>A, p.Gly647Glu (NM_001042669.2); c.1970G>A, p.Gly657Glu (NM_001287805.2); c.1646G>A, p.Gly549Glu (NM_001346093.2); c.1946G>A, p.Gly649Glu (NM_031305.3); short protein forms G742E, G647E, G649E, G657E, G549E.
Identifiers: ClinVar variation 384543 (VCV000384543.3), dbSNP rs779960116, ClinGen allele CA2994919.

ClinVar aggregate classification (germline): Conflicting classifications of pathogenicity. Review status: criteria provided, conflicting classifications (1 of 4 stars). 2 submissions from 2 submitters: Uncertain significance (1); Likely benign (1). Last evaluated 2025-01-14.

Allele frequency attached by ClinVar (database versions not stated): gnomAD 0.00001; gnomAD exomes 0.00002 and 0.00004; TOPMed 0.00002; ExAC 0.00005.
gnomAD v4.1: 12 of 1,613,816 alleles (0.00074%); highest among the groups gnomAD compares: Admixed American, 0.017%; no homozygotes.

Submissions (2):

Ambry Genetics
Classification: Likely benign. Last evaluated: 2025-01-14. Review status: criteria provided, single submitter. Criteria: Ambry Variant Classification Scheme 2023. Collection method: clinical testing. Allele origin: germline.

GeneDx
Classification: Uncertain significance. Last evaluated: 2016-03-10. Review status: criteria provided, single submitter. Criteria: GeneDx Variant Classification (06012015). Collection method: clinical testing. Allele origin: germline. Affected: yes.
Comment: The G742E variant in the ARHGAP24 gene has not been reported previously as a pathogenic variant, nor as a benign variant, to our knowledge. This variant was not observed in approximately 6500 individuals of European and African American ancestry in the NHLBI Exome Sequencing Project, indicating it is not a common benign variant in these populations. The G742E variant is a non-conservative amino acid substitution, which is likely to impact secondary protein structure as these residues differ in polarity, charge, size and/or other properties. This substitution occurs at a position that is conserved in mammals. In silico analysis is inconsistent in its predictions as to whether or not the variant is damaging to the protein structure/function. We interpret G742E as a variant of uncertain significance.